The following is an entry in ClinVar:

ClinVar aggregate classification (germline): Likely benign (1 of 4 stars; one submission).

Submission:

CeGaT Center for Human Genetics Tuebingen
Classification: Likely benign. Last evaluated: 2023-02-01. Review status: criteria provided, single submitter. Criteria: CeGaT Center For Human Genetics Tuebingen Variant Classification Criteria Version 2. Collection method: clinical testing. Allele origin: germline. Affected: yes. Observed: 1 variant allele.
Comment: HSPG2: BP4, BP7

NM_005529.7(HSPG2):c.7797G>A (p.Val2599=)

Gene: HSPG2 (heparan sulfate proteoglycan 2; minus strand). Cytogenetic location: 1p36.12.
Variant type: single nucleotide variant.
Coding change: c.7797G>A on transcript NM_005529.7 (MANE Select); coding-DNA position 7797, G replaced by A.
Protein change: p.Val2599=; no amino-acid change (valine 2599 retained).
Molecular consequence: synonymous variant.
Genome position (GRCh38, 1-based): chr1:21,848,034, C>T on the plus strand (G>A on the coding strand, the complement: HSPG2 is on the minus strand). VCF-style: chr1-21848034-C-T. GRCh37 (hg19) VCF-style: chr1-22174527-C-T.
Other names: c.7800G>A, p.Val2600= (NM_001291860.2).
Identifiers: ClinVar variation 2638457 (VCV002638457.24), dbSNP rs142770983, ClinGen allele CA19114814.